The following is an entry in ClinVar:

NM_144687.4(NLRP12):c.2073-10_2073-7del

Gene: NLRP12 (NLR family pyrin domain containing 12; minus strand). Cytogenetic location: 19q13.42.
Variant type: Deletion.
Coding change: c.2073-10_2073-7del on transcript NM_144687.4 (MANE Select); 10 bases into the intron before coding-DNA position 2073 through 7 bases into the intron before coding-DNA position 2073, 4 bases deleted (CTTC; older notation c.2073-10_2073-7delCTTC).
Molecular consequence: intron variant.
Genome position (GRCh38, 1-based): chr19:53,807,672-53,807,675, GAAG deleted on the plus strand (CTTC on the coding strand, the reverse complement: NLRP12 is on the minus strand); deleting any 4 consecutive bases within chr19:53,807,672-53,807,678 gives the same sequence; the c. name uses the placement nearest the transcript's 3' end. VCF-style (leftmost placement, unchanged base first): chr19-53807671-TGAAG-T. GRCh37 (hg19) VCF-style: chr19-54310925-TGAAG-T.
Other names: c.2073-10_2073-7del (NM_001277129.1); c.2073-7_2073-4del (NM_001277126.2).
Identifiers: ClinVar variation 950361 (VCV000950361.9), dbSNP rs2091984016, ClinGen allele CA1139666591.
Genomic context (GRCh38, chr19:53,807,671, plus strand): 5'-CAGGGCCGCTGCCAGATGTTCACTGTAGGCGTCCAGCAGAACGGTCCTCTCTGGTCTGCT[TGAAG>T]GAAAGACAGGCCACTCTCTGGTGTTACTGGTGCTTGACAACTATGGCCTTTGCATGTCAT-3'

ClinVar aggregate classification (germline): Uncertain significance (1 of 4 stars; one submission).

Conditions:
Familial cold autoinflammatory syndrome 2 (FCAS2). Identifiers: Orphanet 247868, MedGen C2673198, MONDO:0012724, OMIM 611762.

Submission:

Labcorp Genetics (formerly Invitae), Labcorp
Classification: Uncertain significance for Familial cold autoinflammatory syndrome 2. Last evaluated: 2024-07-14. Review status: criteria provided, single submitter. Criteria: Invitae Variant Classification Sherloc (09022015). Collection method: clinical testing. Allele origin: germline.
Comment: This sequence change falls in intron 3 of the NLRP12 gene. It does not directly change the encoded amino acid sequence of the NLRP12 protein. This variant is not present in population databases (gnomAD no frequency). This variant has not been reported in the literature in individuals affected with NLRP12-related conditions. ClinVar contains an entry for this variant (Variation ID: 950361). Algorithms developed to predict the effect of sequence changes on RNA splicing suggest that this variant may disrupt the consensus splice site. In summary, the available evidence is currently insufficient to determine the role of this variant in disease. Therefore, it has been classified as a Variant of Uncertain Significance.